The following is an entry in ClinVar:

ClinVar aggregate classification (germline): Conflicting classifications of pathogenicity. Review status: criteria provided, conflicting classifications (1 of 4 stars). 2 submissions from 2 submitters: Uncertain significance (1); Likely benign (1). Last evaluated 2026-06-01.

gnomAD v4.1: 13 of 1,203,326 alleles (0.0011%); highest among the groups gnomAD compares: Admixed American, 0.029%; no homozygotes.

Submissions (2):

CeGaT Center for Human Genetics Tuebingen
Classification: Likely benign. Last evaluated: 2026-06-01. Review status: criteria provided, single submitter. Criteria: CeGaT Center For Human Genetics Tuebingen Variant Classification Criteria Version 2. Collection method: clinical testing. Allele origin: germline. Affected: yes. Observed: 1 variant allele.
Comment: SLC9A7: BS2

Labcorp Genetics (formerly Invitae), Labcorp
Classification: Uncertain significance. Last evaluated: 2025-11-17. Review status: criteria provided, single submitter. Criteria: Invitae Variant Classification Sherloc (09022015). Collection method: clinical testing. Allele origin: germline.
Comment: This sequence change replaces serine, which is neutral and polar, with phenylalanine, which is neutral and non-polar, at codon 210 of the SLC9A7 protein (p.Ser210Phe). This variant is present in population databases (rs770846350, gnomAD 0.03%). This variant has not been reported in the literature in individuals affected with SLC9A7-related conditions. Invitae Evidence Modeling of protein sequence and biophysical properties (such as structural, functional, and spatial information, amino acid conservation, physicochemical variation, residue mobility, and thermodynamic stability) has been performed for this missense variant. However, the output from this modeling did not meet the statistical confidence thresholds required to predict the impact of this variant on SLC9A7 protein function. In summary, the available evidence is currently insufficient to determine the role of this variant in disease. Therefore, it has been classified as a Variant of Uncertain Significance.

NM_001257291.2(SLC9A7):c.629C>T (p.Ser210Phe)

Gene: SLC9A7 (solute carrier family 9 member A7; minus strand). Cytogenetic location: Xp11.3.
Variant type: single nucleotide variant.
Coding change: c.629C>T on transcript NM_001257291.2 (MANE Select); coding-DNA position 629, C replaced by T.
Protein change: p.Ser210Phe; replaces serine 210 with phenylalanine.
Molecular consequence: missense variant.
Genome position (GRCh38, 1-based): chrX:46,672,602, G>A on the plus strand (C>T on the coding strand, the complement: SLC9A7 is on the minus strand). VCF-style: chrX-46672602-G-A. GRCh37 (hg19) VCF-style: chrX-46532037-G-A.
Other names: c.629C>T, p.Ser210Phe (NM_032591.3); short protein forms S210F.
Identifiers: ClinVar variation 4702264 (VCV004702264.3).
Genomic context (GRCh38, chrX:46,672,602, plus strand): 5'-TTCACTTACCCAATAATGAAGCATGAAACAGCAGTCCCCAAGAAGGCATAGGCCAGTATA[G>A]ATCCAAGATTTCTGAAAAAGTGTCTCTGAATAAAACAAACAAACAAAACCCAGGAATCAC-3'
Protein context (NP_001244220.1, residues 200-220): KKRHFFRNLG[Ser210Phe]ILAYAFLGTA